The following is an entry in ClinVar:

NM_002693.3(POLG):c.2600C>G (p.Pro867Arg)

Gene: POLG (DNA polymerase gamma, catalytic subunit; minus strand). Cytogenetic location: 15q26.1.
Variant type: single nucleotide variant.
Coding change: c.2600C>G on transcript NM_002693.3 (MANE Select); coding-DNA position 2600, C replaced by G.
Protein change: p.Pro867Arg; replaces proline 867 with arginine.
Molecular consequence: missense variant.
Genome position (GRCh38, 1-based): chr15:89,321,259, G>C on the plus strand (C>G on the coding strand, the complement: POLG is on the minus strand). VCF-style: chr15-89321259-G-C. GRCh37 (hg19) VCF-style: chr15-89864490-G-C.
Other names: c.2600C>G, p.Pro867Arg (NM_001126131.2); short protein forms P867R.
Identifiers: ClinVar variation 528382 (VCV000528382.11), dbSNP rs780880601, ClinGen allele CA7724394.

ClinVar aggregate classification (germline): Uncertain significance (1 of 4 stars; one submission).

Conditions:
Progressive sclerosing poliodystrophy (MTDPS4A). Also called: Alpers-Huttenlocher Syndrome (AHS); ALPERS PROGRESSIVE INFANTILE POLIODYSTROPHY; Mitochondrial DNA Depletion Syndrome 4A; Mitochondrial DNA depletion syndrome 4A (Alpers type); NEURONAL DEGENERATION OF CHILDHOOD WITH LIVER DISEASE, PROGRESSIVE; Alpers Syndrome. Identifiers: Orphanet 726, MedGen C0205710, MONDO:0008758, OMIM 203700.

Allele frequency attached by ClinVar (database versions not stated): ExAC 0.00001; gnomAD 0.00001; TOPMed 0.00001.
gnomAD v4.1: 10 of 1,613,978 alleles (0.00062%); highest among the groups gnomAD compares: African/African-American, 0.0013%; no homozygotes.

Submission:

Labcorp Genetics (formerly Invitae), Labcorp
Classification: Uncertain significance for Progressive sclerosing poliodystrophy. Last evaluated: 2025-12-13. Review status: criteria provided, single submitter. Criteria: Invitae Variant Classification Sherloc (09022015). Collection method: clinical testing. Allele origin: germline.
Comment: This sequence change replaces proline, which is neutral and non-polar, with arginine, which is basic and polar, at codon 867 of the POLG protein (p.Pro867Arg). This variant is present in population databases (rs780880601, gnomAD 0.0009%). This variant has not been reported in the literature in individuals affected with POLG-related conditions. ClinVar contains an entry for this variant (Variation ID: 528382). An algorithm developed to predict the effect of missense changes on protein structure and function (PolyPhen-2) suggests that this variant is likely to be tolerated. In summary, the available evidence is currently insufficient to determine the role of this variant in disease. Therefore, it has been classified as a Variant of Uncertain Significance.